The following is an entry in ClinVar:

NM_001031725.6(DDX59):c.123C>T (p.Pro41=)

Gene: DDX59 (DEAD-box helicase 59; minus strand). Cytogenetic location: 1q32.1.
Variant type: single nucleotide variant.
Coding change: c.123C>T on transcript NM_001031725.6 (MANE Select); coding-DNA position 123, C replaced by T.
Protein change: p.Pro41=; no amino-acid change (proline 41 retained).
Molecular consequence: synonymous variant.
Genome position (GRCh38, 1-based): chr1:200,666,618, G>A on the plus strand (C>T on the coding strand, the complement: DDX59 is on the minus strand). VCF-style: chr1-200666618-G-A. GRCh37 (hg19) VCF-style: chr1-200635746-G-A.
Other names: c.123C>T, p.Pro41= (NM_001320181.2, NM_001320182.1, NM_001349799.3 and 5 more transcripts).
Identifiers: ClinVar variation 3043217 (VCV003043217.4), dbSNP rs533727818, ClinGen allele CA1318540.
Genomic context (GRCh38, chr1:200,666,618, plus strand): 5'-AGGGCATGATTCGCTGATGTGCCTGTCTATTGTGGCTGCTTCTGTAGCTACAGCATCAAC[G>A]GGAACATCTCTGCTTTTGTCCAACTGAAGGTCTTCTGGGTCTGGTTTAATTATCTTAGCC-3'
Protein context (NP_001026895.2, residues 31-51): DLQLDKSRDV[Pro41=]VDAVATEAAT

ClinVar aggregate classification (germline): Likely benign. Review status: criteria provided, single submitter (1 of 4 stars). 2 submissions from 2 submitters: Likely benign (1). 1 of the submissions does not count toward it. Last evaluated 2025-10-01.

Conditions:
DDX59-related disorder. Also called: DDX59-related condition.

Allele frequency attached by ClinVar (database versions not stated): gnomAD 0.00003; 1000 Genomes Project 0.00020; gnomAD exomes 0.00002; TOPMed 0.00002; ExAC 0.00003; 1000 Genomes Project 30x 0.00016.
gnomAD v4.1: 35 of 1,614,112 alleles (0.0022%); highest among the groups gnomAD compares: Admixed American, 0.015%; no homozygotes.

Submissions (2):

Labcorp Genetics (formerly Invitae), Labcorp
Classification: Likely benign. Last evaluated: 2025-10-01. Review status: criteria provided, single submitter. Criteria: Invitae Variant Classification Sherloc (09022015). Collection method: clinical testing. Allele origin: germline.

PreventionGenetics, part of Exact Sciences
Classification: Likely benign for DDX59-related condition. Last evaluated: 2019-06-23. Review status: no assertion criteria provided. Collection method: clinical testing. Allele origin: germline. Not counted in ClinVar's aggregate classification.
Comment: This variant is classified as likely benign based on ACMG/AMP sequence variant interpretation guidelines (Richards et al. 2015 PMID: 25741868, with internal and published modifications).